The following is an entry in ClinVar:

ClinVar aggregate classification (germline): Uncertain significance. Review status: criteria provided, multiple submitters, no conflicts (2 of 4 stars). 2 submissions from 2 submitters: Uncertain significance (2). Last evaluated 2025-06-17.

Conditions:
Kufor-Rakeb syndrome (KRS). Also called: PARKINSON DISEASE 9, AUTOSOMAL RECESSIVE, JUVENILE-ONSET. Identifiers: Orphanet 306674, Orphanet 314632, MedGen C1847640, MONDO:0011706, OMIM 606693.
Autosomal recessive spastic paraplegia type 78. Identifiers: Orphanet 513436, MedGen C5567893, MONDO:0014975, OMIM 617225.
Inborn genetic diseases. Identifiers: MedGen C0950123, MeSH D030342.

Allele frequency attached by ClinVar (database versions not stated): ExAC 0.00002; gnomAD 0.00003; TOPMed 0.00003; 1000 Genomes Project 30x 0.00016; 1000 Genomes Project 0.00020.
gnomAD v4.1: 42 of 1,611,110 alleles (0.0026%); highest among the groups gnomAD compares: African/African-American, 0.0067%; no homozygotes.

Submissions (2):

Ambry Genetics
Classification: Uncertain significance for Inborn genetic diseases. Last evaluated: 2025-06-17. Review status: criteria provided, single submitter. Criteria: Ambry Variant Classification Scheme 2023. Collection method: clinical testing. Allele origin: germline.

Labcorp Genetics (formerly Invitae), Labcorp
Classification: Uncertain significance for Kufor-Rakeb syndrome; Autosomal recessive spastic paraplegia type 78. Last evaluated: 2022-06-05. Review status: criteria provided, single submitter. Criteria: Invitae Variant Classification Sherloc (09022015). Collection method: clinical testing. Allele origin: germline.
Comment: This sequence change replaces glutamic acid, which is acidic and polar, with lysine, which is basic and polar, at codon 235 of the ATP13A2 protein (p.Glu235Lys). This variant is present in population databases (rs540184864, gnomAD 0.007%). This variant has not been reported in the literature in individuals affected with ATP13A2-related conditions. Algorithms developed to predict the effect of missense changes on protein structure and function are either unavailable or do not agree on the potential impact of this missense change (SIFT: "Deleterious"; PolyPhen-2: "Benign"; Align-GVGD: "Class C0"). In summary, the available evidence is currently insufficient to determine the role of this variant in disease. Therefore, it has been classified as a Variant of Uncertain Significance.

NM_022089.4(ATP13A2):c.703G>A (p.Glu235Lys)

Gene: ATP13A2 (ATPase cation transporting 13A2; minus strand). Cytogenetic location: 1p36.13.
Variant type: single nucleotide variant.
Coding change: c.703G>A on transcript NM_022089.4 (MANE Select); coding-DNA position 703, G replaced by A.
Protein change: p.Glu235Lys; replaces glutamic acid 235 with lysine.
Molecular consequence: missense variant.
Genome position (GRCh38, 1-based): chr1:17,002,036, C>T on the plus strand (G>A on the coding strand, the complement: ATP13A2 is on the minus strand). VCF-style: chr1-17002036-C-T. GRCh37 (hg19) VCF-style: chr1-17328531-C-T.
Other names: c.703G>A (NM_022089.2); c.688G>A, p.Glu230Lys (NM_001141973.3, NM_001141974.3); short protein forms E235K, E230K.
Identifiers: ClinVar variation 2195932 (VCV002195932.2), dbSNP rs540184864, ClinGen allele CA637530.
Genomic context (GRCh38, chr1:17,002,036, plus strand): 5'-GGCCAAGGTCACACAGCACGCCAGGCAGGGCTGGGGCAAGACCCAGGGACAGCCCTACCT[C>T]GTCCACCAGCAGCTGGGGGTAGGACTTGACCGGTATGCTGATCACGTTGGGGCCGTAAAT-3'
Protein context (NP_071372.1, residues 225-245): VKSYPQLLVD[Glu235Lys]ALNPYYGFQA